The following is an entry in ClinVar:

NM_001278431.2(C1QTNF5):c.397C>A (p.Gln133Lys)

Genes: C1QTNF5 (C1q and TNF related 5; minus strand), MFRP (membrane frizzled-related protein; minus strand). Cytogenetic location: 11q23.3.
Variant type: single nucleotide variant.
Coding change: c.397C>A on transcript NM_001278431.2 (MANE Select); coding-DNA position 397, C replaced by A.
Protein change: p.Gln133Lys; replaces glutamine 133 with lysine.
Molecular consequence: missense variant. On other transcripts: 3 prime UTR variant (1).
Genome position (GRCh38, 1-based): chr11:119,339,666, G>T on the plus strand (C>A on the coding strand, the complement: C1QTNF5 is on the minus strand). VCF-style: chr11-119339666-G-T. GRCh37 (hg19) VCF-style: chr11-119210376-G-T.
Other names: c.397C>A, p.Gln133Lys (NM_015645.5); c.*1293C>A (NM_031433.4); short protein forms Q133K.
Identifiers: ClinVar variation 1480572 (VCV001480572.6), dbSNP rs1950477064, ClinGen allele CA382969195.

ClinVar aggregate classification (germline): Uncertain significance (1 of 4 stars; one submission).

Submission:

Labcorp Genetics (formerly Invitae), Labcorp
Classification: Uncertain significance. Last evaluated: 2022-10-17. Review status: criteria provided, single submitter. Criteria: Invitae Variant Classification Sherloc (09022015). Collection method: clinical testing. Allele origin: germline.
Comment: In summary, the available evidence is currently insufficient to determine the role of this variant in disease. Therefore, it has been classified as a Variant of Uncertain Significance. Algorithms developed to predict the effect of missense changes on protein structure and function are either unavailable or do not agree on the potential impact of this missense change (SIFT: "Deleterious"; PolyPhen-2: "Benign"; Align-GVGD: "Class C45"). ClinVar contains an entry for this variant (Variation ID: 1480572). This variant has not been reported in the literature in individuals affected with C1QTNF5-related conditions. This variant is not present in population databases (gnomAD no frequency). This sequence change replaces glutamine, which is neutral and polar, with lysine, which is basic and polar, at codon 133 of the C1QTNF5 protein (p.Gln133Lys).